The following is an entry in ClinVar:

ClinVar aggregate classification (germline): Likely benign (1 of 4 stars; one submission).

Allele frequency attached by ClinVar (database versions not stated): gnomAD exomes below 0.00001.
gnomAD v4.1: 2 of 1,614,108 alleles (0.00012%); highest among the groups gnomAD compares: Non-Finnish European, 0.00017%; no homozygotes.

Submission:

GeneDx
Classification: Likely benign. Last evaluated: 2018-01-25. Review status: criteria provided, single submitter. Criteria: GeneDx Variant Classification (06012015). Collection method: clinical testing. Allele origin: germline. Affected: yes.
Comment: This variant is considered likely benign or benign based on one or more of the following criteria: it is a conservative change, it occurs at a poorly conserved position in the protein, it is predicted to be benign by multiple in silico algorithms, and/or has population frequency not consistent with disease.

NM_000532.5(PCCB):c.1090+4G>A

Gene: PCCB (propionyl-CoA carboxylase subunit beta; plus strand). Cytogenetic location: 3q22.3.
Variant type: single nucleotide variant.
Coding change: c.1090+4G>A on transcript NM_000532.5 (MANE Select); 4 bases into the intron after coding-DNA position 1090, G replaced by A.
Molecular consequence: intron variant.
Genome position (GRCh38, 1-based): chr3:136,317,068, G>A. VCF-style: chr3-136317068-G-A. GRCh37 (hg19) VCF-style: chr3-136035910-G-A.
Other names: c.1150+4G>A (NM_001178014.2).
Identifiers: ClinVar variation 514814 (VCV000514814.1), dbSNP rs1553782783, ClinGen allele CA658796384.